The following is an entry in ClinVar:

NM_020686.6(ABAT):c.1273C>T (p.Arg425Trp)

Gene: ABAT (4-aminobutyrate aminotransferase; plus strand). Cytogenetic location: 16p13.2.
Variant type: single nucleotide variant.
Coding change: c.1273C>T on transcript NM_020686.6 (MANE Select); coding-DNA position 1273, C replaced by T.
Protein change: p.Arg425Trp; replaces arginine 425 with tryptophan.
Molecular consequence: missense variant. On other transcripts: intron variant (1).
Genome position (GRCh38, 1-based): chr16:8,779,482, C>T. VCF-style: chr16-8779482-C-T. GRCh37 (hg19) VCF-style: chr16-8873339-C-T.
Other names: c.1273C>T, p.Arg425Trp (NM_000663.5, NM_001127448.2, NM_001386600.1 and 5 more transcripts); c.1234C>T, p.Arg412Trp (NM_001386605.1); c.1210C>T, p.Arg404Trp (NM_001386606.1, NM_001386607.1); c.1180C>T, p.Arg394Trp (NM_001386608.1); c.1138C>T, p.Arg380Trp (NM_001386610.1, NM_001386611.1); c.1075C>T, p.Arg359Trp (NM_001386612.1, NM_001386613.1); c.1027C>T, p.Arg343Trp (NM_001386614.1); c.1369C>T, p.Arg457Trp (NM_001386615.1); and 1 more; short protein forms R380W, R359W, R394W, R457W, R343W, R412W, R425W, R404W.
Identifiers: ClinVar variation 2162758 (VCV002162758.4), dbSNP rs769429586, ClinGen allele CA7893508.

ClinVar aggregate classification (germline): Uncertain significance (1 of 4 stars; one submission).

Conditions:
Gamma-aminobutyric acid transaminase deficiency (GABATD). Also called: GABA transaminase deficiency; Gamma aminobutyrate transaminase deficiency; 4 alpha aminobutyrate transaminase deficiency; GABA aminotransaminase deficiency. Identifiers: Orphanet 2066, MedGen C0342708, MONDO:0013166, OMIM 613163.

Allele frequency attached by ClinVar (database versions not stated): ExAC 0.00001; gnomAD exomes 0.00001.
gnomAD v4.1: 13 of 1,613,940 alleles (0.00081%); highest among the groups gnomAD compares: Admixed American, 0.0017%; no homozygotes.

Submission:

Labcorp Genetics (formerly Invitae), Labcorp
Classification: Uncertain significance for Gamma-aminobutyric acid transaminase deficiency. Last evaluated: 2022-08-14. Review status: criteria provided, single submitter. Criteria: Invitae Variant Classification Sherloc (09022015). Collection method: clinical testing. Allele origin: germline.
Comment: This sequence change replaces arginine, which is basic and polar, with tryptophan, which is neutral and slightly polar, at codon 425 of the ABAT protein (p.Arg425Trp). This variant is present in population databases (rs769429586, gnomAD 0.004%). This variant has not been reported in the literature in individuals affected with ABAT-related conditions. Algorithms developed to predict the effect of missense changes on protein structure and function are either unavailable or do not agree on the potential impact of this missense change (SIFT: "Deleterious"; PolyPhen-2: "Benign"; Align-GVGD: "Class C0"). In summary, the available evidence is currently insufficient to determine the role of this variant in disease. Therefore, it has been classified as a Variant of Uncertain Significance.